The following is an entry in ClinVar:

ClinVar aggregate classification (germline): Uncertain significance (1 of 4 stars; one submission).

Submission:

Labcorp Genetics (formerly Invitae), Labcorp
Classification: Uncertain significance. Last evaluated: 2022-06-01. Review status: criteria provided, single submitter. Criteria: Invitae Variant Classification Sherloc (09022015). Collection method: clinical testing. Allele origin: germline.
Comment: This variant has not been reported in the literature in individuals affected with KLHL7-related conditions. In summary, the available evidence is currently insufficient to determine the role of this variant in disease. Therefore, it has been classified as a Variant of Uncertain Significance. Algorithms developed to predict the effect of missense changes on protein structure and function are either unavailable or do not agree on the potential impact of this missense change (SIFT: "Deleterious"; PolyPhen-2: "Benign"; Align-GVGD: "Class C45"). This variant is not present in population databases (gnomAD no frequency). This sequence change replaces serine, which is neutral and polar, with asparagine, which is neutral and polar, at codon 568 of the KLHL7 protein (p.Ser568Asn).

NM_001031710.3(KLHL7):c.1703G>A (p.Ser568Asn)

Gene: KLHL7 (kelch like family member 7; plus strand). Cytogenetic location: 7p15.3.
Variant type: single nucleotide variant.
Coding change: c.1703G>A on transcript NM_001031710.3 (MANE Select); coding-DNA position 1703, G replaced by A.
Protein change: p.Ser568Asn; replaces serine 568 with asparagine.
Molecular consequence: missense variant. On other transcripts: non-coding transcript variant (1).
Genome position (GRCh38, 1-based): chr7:23,174,240, G>A. VCF-style: chr7-23174240-G-A. GRCh37 (hg19) VCF-style: chr7-23213859-G-A.
Other names: c.1559G>A, p.Ser520Asn (NM_018846.5); short protein forms S568N, S520N.
Identifiers: ClinVar variation 2001762 (VCV002001762.4), dbSNP rs2534943605, ClinGen allele CA366982849.